The following is an entry in ClinVar:

ClinVar aggregate classification (germline): Uncertain significance. Review status: criteria provided, multiple submitters, no conflicts (2 of 4 stars). 2 submissions from 2 submitters: Uncertain significance (2). Last evaluated 2023-04-18.

Conditions:
Arrhythmogenic right ventricular dysplasia 13. Also called: ARRHYTHMOGENIC RIGHT VENTRICULAR CARDIOMYOPATHY 13; Arrhythmogenic right ventricular dysplasia, familial, 13. Identifiers: MedGen C3810138, MONDO:0000908, OMIM 615616.

Allele frequency attached by ClinVar (database versions not stated): ExAC 0.00001; gnomAD exomes 0.00001.
gnomAD v4.1: 20 of 1,604,870 alleles (0.0012%); highest among the groups gnomAD compares: East Asian, 0.0023%; no homozygotes.

Submissions (2):

Ambry Genetics
Classification: Uncertain significance. Last evaluated: 2023-04-18. Review status: criteria provided, single submitter. Criteria: Ambry Variant Classification Scheme 2023. Collection method: clinical testing. Allele origin: germline.
Comment: The p.V624L variant (also known as c.1870G>C), located in coding exon 12 of the CTNNA3 gene, results from a G to C substitution at nucleotide position 1870. The valine at codon 624 is replaced by leucine, an amino acid with highly similar properties. This amino acid position is conserved. In addition, this alteration is predicted to be tolerated by in silico analysis. Since supporting evidence is limited at this time, the clinical significance of this alteration remains unclear.

Labcorp Genetics (formerly Invitae), Labcorp
Classification: Uncertain significance for Arrhythmogenic right ventricular dysplasia 13. Last evaluated: 2023-03-20. Review status: criteria provided, single submitter. Criteria: Invitae Variant Classification Sherloc (09022015). Collection method: clinical testing. Allele origin: germline.
Comment: This sequence change replaces valine, which is neutral and non-polar, with leucine, which is neutral and non-polar, at codon 624 of the CTNNA3 protein (p.Val624Leu). This variant is present in population databases (rs757726745, gnomAD 0.0009%). This variant has not been reported in the literature in individuals affected with CTNNA3-related conditions. Advanced modeling of protein sequence and biophysical properties (such as structural, functional, and spatial information, amino acid conservation, physicochemical variation, residue mobility, and thermodynamic stability) performed at Invitae indicates that this missense variant is not expected to disrupt CTNNA3 protein function. In summary, the available evidence is currently insufficient to determine the role of this variant in disease. Therefore, it has been classified as a Variant of Uncertain Significance.

NM_013266.4(CTNNA3):c.1870G>C (p.Val624Leu)

Gene: CTNNA3 (catenin alpha 3; minus strand). Cytogenetic location: 10q21.3.
Variant type: single nucleotide variant.
Coding change: c.1870G>C on transcript NM_013266.4 (MANE Select); coding-DNA position 1870, G replaced by C.
Protein change: p.Val624Leu; replaces valine 624 with leucine.
Molecular consequence: missense variant.
Genome position (GRCh38, 1-based): chr10:66,280,484, C>G on the plus strand (G>C on the coding strand, the complement: CTNNA3 is on the minus strand). VCF-style: chr10-66280484-C-G. GRCh37 (hg19) VCF-style: chr10-68040242-C-G.
Other names: c.1870G>C, p.Val624Leu (NM_001127384.3); short protein forms V624L.
Identifiers: ClinVar variation 2564942 (VCV002564942.5), dbSNP rs757726745, ClinGen allele CA5519795.
Genomic context (GRCh38, chr10:66,280,484, plus strand): 5'-GGTGAAGAACATTGCAATAATTCAATGGAAGGAAAAGCAAACTTACCCGAATCATCATGA[C>G]TGAACATCTGATATCATGAATTGTATCATAGATCTTCTTTGAGATGTCCACAAATTGATT-3'
Protein context (NP_037398.2, residues 614-634): YDTIHDIRCS[Val624Leu]MMIRTPEELE